The following is an entry in ClinVar:

NM_004991.4(MECOM):c.2138G>C (p.Arg713Thr)

Gene: MECOM (MDS1 and EVI1 complex locus; minus strand). Cytogenetic location: 3q26.2.
Variant type: single nucleotide variant.
Coding change: c.2138G>C on transcript NM_004991.4 (MANE Select); coding-DNA position 2138, G replaced by C.
Protein change: p.Arg713Thr; replaces arginine 713 with threonine.
Molecular consequence: missense variant.
Genome position (GRCh38, 1-based): chr3:169,115,734, C>G on the plus strand (G>C on the coding strand, the complement: MECOM is on the minus strand). VCF-style: chr3-169115734-C-G. GRCh37 (hg19) VCF-style: chr3-168833522-C-G.
Other names: c.1769G>C, p.Arg590Thr (NM_001105077.4); c.1574G>C, p.Arg525Thr (NM_001105078.4, NM_001164000.2, NM_001205194.2 and 4 more transcripts); c.1577G>C, p.Arg526Thr (NM_001163999.2, NM_001366467.2, NM_001366468.2 and 1 more transcripts); c.2138G>C, p.Arg713Thr (NM_001366466.2); c.1166G>C, p.Arg389Thr (NM_001366473.2); c.602G>C, p.Arg201Thr (NM_001366474.2); short protein forms R713T, R526T, R525T, R201T, R389T, R590T.
Identifiers: ClinVar variation 4053171 (VCV004053171.1).
Genomic context (GRCh38, chr3:169,115,734, plus strand): 5'-AGTTTCTTTACTTCACCTGGTGATTGGGGTTCCATTTTCAAAGGTAACGATCTCAAGTCT[C>G]TATCAGGAAATGGGTACATTGATTGAGAGAATGCTGGAAAAAATGGGAGGGGAAACATGG-3'
Protein context (NP_004982.2, residues 703-723): FSQSMYPFPD[Arg713Thr]DLRSLPLKME

ClinVar aggregate classification (germline): Uncertain significance (1 of 4 stars; one submission).

Conditions:
Inborn genetic diseases. Identifiers: MedGen C0950123, MeSH D030342.

Submission:

Ambry Genetics
Classification: Uncertain significance for Inborn genetic diseases. Last evaluated: 2025-04-11. Review status: criteria provided, single submitter. Criteria: Ambry Variant Classification Scheme 2023. Collection method: clinical testing. Allele origin: germline.
Comment: The p.R713T variant (also known as c.2138G>C), located in coding exon 8 of the MECOM gene, results from a G to C substitution at nucleotide position 2138. The arginine at codon 713 is replaced by threonine, an amino acid with similar properties. This amino acid position is conserved. In addition, the in silico prediction for this alteration is inconclusive. Based on the available evidence, the clinical significance of this variant remains unclear.